The following is an entry in ClinVar:

NM_206933.4(USH2A):c.13812-1G>T

Gene: USH2A (usherin; minus strand). Cytogenetic location: 1q41.
Variant type: single nucleotide variant.
Coding change: c.13812-1G>T on transcript NM_206933.4 (MANE Select); the canonical splice acceptor site of the intron before coding-DNA position 13812, G replaced by T.
Molecular consequence: splice acceptor variant.
Genome position (GRCh38, 1-based): chr1:215,671,294, C>A on the plus strand (G>T on the coding strand, the complement: USH2A is on the minus strand). VCF-style: chr1-215671294-C-A. GRCh37 (hg19) VCF-style: chr1-215844636-C-A.
Identifiers: ClinVar variation 2858179 (VCV002858179.3), dbSNP rs199782530, ClinGen allele CA344842092.
Genomic context (GRCh38, chr1:215,671,294, plus strand): 5'-AATGTCCAGTCACTTGATGCACATCCCAGGGTGGTGCACGCTTGAATTCGTATTTCATAC[C>A]TTCAGGACATAAGGCAGAAATTAGTGATTTTCAGCAAAATAGATTTTCATGGGAAGAATC-3'

ClinVar aggregate classification (germline): Pathogenic (1 of 4 stars; one submission).

Submission:

Labcorp Genetics (formerly Invitae), Labcorp
Classification: Pathogenic. Last evaluated: 2023-04-22. Review status: criteria provided, single submitter. Criteria: Invitae Variant Classification Sherloc (09022015). Collection method: clinical testing. Allele origin: germline.
Comment: For these reasons, this variant has been classified as Pathogenic. Algorithms developed to predict the effect of sequence changes on RNA splicing suggest that this variant may disrupt the consensus splice site. Disruption of this splice site has been observed in individual(s) with Usher syndrome (Invitae). In at least one individual the data is consistent with being in trans (on the opposite chromosome) from a pathogenic variant. This variant is not present in population databases (gnomAD no frequency). This sequence change affects an acceptor splice site in intron 63 of the USH2A gene. It is expected to disrupt RNA splicing. Variants that disrupt the donor or acceptor splice site typically lead to a loss of protein function (PMID: 16199547), and loss-of-function variants in USH2A are known to be pathogenic (PMID: 10729113, 10909849, 20507924, 25649381).

Literature cited by the submitters: PubMed 16199547; PubMed 10729113; PubMed 10909849; PubMed 20507924; PubMed 25649381.